The following is an entry in ClinVar:

ClinVar aggregate classification (germline): Likely benign (0 of 4 stars; one submission).

Conditions:
PLA2G4B-related disorder. Also called: PLA2G4B-related condition.

Allele frequency attached by ClinVar (database versions not stated): gnomAD exomes 0.00004; TOPMed 0.00007; ExAC 0.00026.
gnomAD v4.1: 66 of 1,606,296 alleles (0.0041%); highest among the groups gnomAD compares: Admixed American, 0.082%; 1 homozygote.

Submission:

PreventionGenetics, part of Exact Sciences
Classification: Likely benign for PLA2G4B-related condition. Last evaluated: 2019-05-21. Review status: no assertion criteria provided. Collection method: clinical testing. Allele origin: germline.
Comment: This variant is classified as likely benign based on ACMG/AMP sequence variant interpretation guidelines (Richards et al. 2015 PMID: 25741868, with internal and published modifications).

NM_001114633.2(PLA2G4B):c.2119G>A (p.Glu707Lys)

Genes: JMJD7-PLA2G4B (JMJD7-PLA2G4B readthrough; plus strand), PLA2G4B (phospholipase A2 group IVB; plus strand). Cytogenetic location: 15q15.1.
Variant type: single nucleotide variant.
Coding change: c.2119G>A on transcript NM_001114633.2 (MANE Select); coding-DNA position 2119, G replaced by A.
Protein change: p.Glu707Lys; replaces glutamic acid 707 with lysine.
Molecular consequence: missense variant. On other transcripts: intron variant (1).
Genome position (GRCh38, 1-based): chr15:41,847,508, G>A. VCF-style: chr15-41847508-G-A. GRCh37 (hg19) VCF-style: chr15-42139706-G-A.
Other names: c.2812G>A, p.Glu938Lys (NM_005090.4); c.2641-141G>A (NM_001198588.2); short protein forms E707K, E938K.
Identifiers: ClinVar variation 3038920 (VCV003038920.2), dbSNP rs755146765, ClinGen allele CA7500431.